The following is an entry in ClinVar:

ClinVar aggregate classification (germline): Uncertain significance (1 of 4 stars; one submission).

Conditions:
Schaaf-Yang syndrome (SHFYNG). Also called: Arthrogryposis, distal, with hypopituitarism, intellectual disability, and facial anomalies; MAGEL2-related Prader-Willi-like syndrome. Identifiers: Orphanet 398069, MedGen C5575066, MONDO:0014243, OMIM 615547.

Submission:

Baylor Genetics
Classification: Uncertain significance for Schaaf-Yang syndrome. Last evaluated: 2019-08-08. Review status: criteria provided, single submitter. Criteria: ACMG Guidelines, 2015. Collection method: clinical testing. Allele origin: unknown. Affected: yes.
Comment: This variant was determined to be of uncertain significance according to ACMG Guidelines, 2015 [PMID:25741868].

NM_019066.5(MAGEL2):c.2839G>C (p.Glu947Gln)

Gene: MAGEL2 (MAGE family member L2; minus strand). Cytogenetic location: 15q11.2.
Variant type: single nucleotide variant.
Coding change: c.2839G>C on transcript NM_019066.5 (MANE Select); coding-DNA position 2839, G replaced by C.
Protein change: p.Glu947Gln; replaces glutamic acid 947 with glutamine.
Molecular consequence: missense variant.
Genome position (GRCh38, 1-based): chr15:23,644,904, C>G on the plus strand (G>C on the coding strand, the complement: MAGEL2 is on the minus strand). VCF-style: chr15-23644904-C-G. GRCh37 (hg19) VCF-style: chr15-23890051-C-G.
Other names: short protein forms E947Q.
Identifiers: ClinVar variation 1028142 (VCV001028142.1), dbSNP rs1890360315, ClinGen allele CA391327175.